The following is an entry in ClinVar:

ClinVar aggregate classification (germline): Uncertain significance (1 of 4 stars; one submission).

Conditions:
Mucopolysaccharidosis, MPS-II (MPS2). Also called: Mucopolysaccharidosis type 2; IDS deficiency; Sulfoiduronate sulfatase deficiency; SIDS deficiency; Mucopolysaccharidosis with skin involvement; Severe MPS II. Identifiers: Orphanet 580, Orphanet 79388, MedGen C0026705, MONDO:0010674, OMIM 309900.

Submission:

Labcorp Genetics (formerly Invitae), Labcorp
Classification: Uncertain significance for Mucopolysaccharidosis, MPS-II. Last evaluated: 2025-04-12. Review status: criteria provided, single submitter. Criteria: Invitae Variant Classification Sherloc (09022015). Collection method: clinical testing. Allele origin: germline.
Comment: This sequence change replaces valine, which is neutral and non-polar, with leucine, which is neutral and non-polar, at codon 111 of the IDS protein (p.Val111Leu). This variant is not present in population databases (gnomAD no frequency). This variant has not been reported in the literature in individuals affected with IDS-related conditions. ClinVar contains an entry for this variant (Variation ID: 642353). Invitae Evidence Modeling of protein sequence and biophysical properties (such as structural, functional, and spatial information, amino acid conservation, physicochemical variation, residue mobility, and thermodynamic stability) indicates that this missense variant is not expected to disrupt IDS protein function with a negative predictive value of 80%. In summary, the available evidence is currently insufficient to determine the role of this variant in disease. Therefore, it has been classified as a Variant of Uncertain Significance.

NM_000202.8(IDS):c.331G>C (p.Val111Leu)

Gene: IDS (iduronate 2-sulfatase; minus strand). Cytogenetic location: Xq28.
Variant type: single nucleotide variant.
Coding change: c.331G>C on transcript NM_000202.8 (MANE Select); coding-DNA position 331, G replaced by C.
Protein change: p.Val111Leu; replaces valine 111 with leucine.
Molecular consequence: missense variant. On other transcripts: non-coding transcript variant (1).
Genome position (GRCh38, 1-based): chrX:149,503,399, C>G on the plus strand (G>C on the coding strand, the complement: IDS is on the minus strand). VCF-style: chrX-149503399-C-G. GRCh37 (hg19) VCF-style: chrX-148584929-C-G.
Other names: c.61G>C, p.Val21Leu (NM_001166550.4); c.331G>C, p.Val111Leu (NM_006123.5); short protein forms V111L, V21L.
Identifiers: ClinVar variation 642353 (VCV000642353.8), dbSNP rs1602748386, ClinGen allele CA414526253.